The following is an entry in ClinVar:

ClinVar aggregate classification (germline): Likely benign (0 of 4 stars; one submission).

Conditions:
NRP2-related disorder. Also called: NRP2-related condition.

Allele frequency attached by ClinVar (database versions not stated): TOPMed below 0.00001; gnomAD 0.00009; gnomAD exomes 0.00015; ExAC 0.00040; 1000 Genomes Project 30x 0.00062; 1000 Genomes Project 0.00080.
gnomAD v4.1: 236 of 1,613,640 alleles (0.015%); highest among the groups gnomAD compares: South Asian, 0.24%; 3 homozygotes.

Submission:

PreventionGenetics, part of Exact Sciences
Classification: Likely benign for NRP2-related condition. Last evaluated: 2022-10-04. Review status: no assertion criteria provided. Collection method: clinical testing. Allele origin: germline.
Comment: This variant is classified as likely benign based on ACMG/AMP sequence variant interpretation guidelines (Richards et al. 2015 PMID: 25741868, with internal and published modifications).

NM_003872.3(NRP2):c.1321C>T (p.Leu441Phe)

Gene: NRP2 (neuropilin 2; plus strand). Cytogenetic location: 2q33.3.
Variant type: single nucleotide variant.
Coding change: c.1321C>T on transcript NM_003872.3 (MANE Select); coding-DNA position 1321, C replaced by T.
Protein change: p.Leu441Phe; replaces leucine 441 with phenylalanine.
Molecular consequence: missense variant.
Genome position (GRCh38, 1-based): chr2:205,743,232, C>T. VCF-style: chr2-205743232-C-T. GRCh37 (hg19) VCF-style: chr2-206607956-C-T.
Other names: c.1321C>T, p.Leu441Phe (NM_018534.4, NM_201264.2, NM_201266.2 and 2 more transcripts); short protein forms L441F.
Identifiers: ClinVar variation 3041963 (VCV003041963.2), dbSNP rs551278469, ClinGen allele CA2069073.